The following is an entry in ClinVar:

NM_002911.4(UPF1):c.538G>T (p.Val180Phe)

Gene: UPF1 (UPF1 RNA helicase and ATPase; plus strand). Cytogenetic location: 19p13.11.
Variant type: single nucleotide variant.
Coding change: c.538G>T on transcript NM_002911.4 (MANE Select); coding-DNA position 538, G replaced by T.
Protein change: p.Val180Phe; replaces valine 180 with phenylalanine.
Molecular consequence: missense variant.
Genome position (GRCh38, 1-based): chr19:18,850,151, G>T. VCF-style: chr19-18850151-G-T. GRCh37 (hg19) VCF-style: chr19-18960960-G-T.
Other names: c.538G>T, p.Val180Phe (NM_001297549.2); short protein forms V180F.
Identifiers: ClinVar variation 5009587 (VCV005009587.1).
Genomic context (GRCh38, chr19:18,850,151, plus strand): 5'-CTTGTGAGGGCAAAATGCAAAGAGGTGACCCTGCACAAGGACGGGCCCCTGGGGGAGACA[G>T]TCCTGGAGTGCTACAACTGCGGCTGTCGCAACGTCTTCCTCCTCGGCTTCATCCCGGCCA-3'
Protein context (NP_002902.2, residues 170-190): LHKDGPLGET[Val180Phe]LECYNCGCRN

ClinVar aggregate classification (germline): Uncertain significance (1 of 4 stars; one submission).

Submission:

GeneDx
Classification: Uncertain significance. Last evaluated: 2026-03-21. Review status: criteria provided, single submitter. Criteria: GeneDx Variant Classification Process June 2021. Collection method: clinical testing. Allele origin: germline.
Comment: Not observed at significant frequency in large population cohorts (gnomAD); In silico analysis supports that this missense variant has a deleterious effect on protein structure/function; Has not been previously published as pathogenic or benign to our knowledge